The following is an entry in ClinVar:

ClinVar aggregate classification (germline): Likely pathogenic (1 of 4 stars; one submission).

Conditions:
Arrhythmogenic right ventricular dysplasia 9 (ARVD9). Also called: ARRHYTHMOGENIC RIGHT VENTRICULAR DYSPLASIA, FAMILIAL, 9; Arrhythmogenic Right Ventricular Dysplasia/Cardiomyopathy 9. Identifiers: MedGen C1836906, MONDO:0012180, OMIM 609040.

Submission:

Human Genetics Bochum, Ruhr University Bochum
Classification: Likely pathogenic for Arrhythmogenic right ventricular dysplasia 9. Last evaluated: 2025-02-26. Review status: criteria provided, single submitter. Criteria: ACMG Guidelines, 2015. Collection method: clinical testing. Allele origin: germline. Affected: yes.
Comment: ACMG criteria used to clasify this variant: PVS1, PM2_SUP

NM_001005242.3(PKP2):c.592G>T (p.Glu198Ter)

Gene: PKP2 (plakophilin 2; minus strand). Cytogenetic location: 12p11.21.
Variant type: single nucleotide variant.
Coding change: c.592G>T on transcript NM_001005242.3 (MANE Select); coding-DNA position 592, G replaced by T.
Protein change: p.Glu198Ter; replaces glutamic acid 198 with a stop codon.
Molecular consequence: nonsense.
Genome position (GRCh38, 1-based): chr12:32,878,288, C>A on the plus strand (G>T on the coding strand, the complement: PKP2 is on the minus strand). VCF-style: chr12-32878288-C-A. GRCh37 (hg19) VCF-style: chr12-33031222-C-A.
Other names: c.592G>T, p.Glu198Ter (NM_001407155.1, NM_001407156.1, NM_001407157.1 and 2 more transcripts); c.265G>T, p.Glu89Ter (NM_001407158.1, NM_001407159.1, NM_001407160.1 and 1 more transcripts); short protein forms E198*, E89*.
Identifiers: ClinVar variation 4687899 (VCV004687899.1).